The following is an entry in ClinVar:

ClinVar aggregate classification (germline): Uncertain significance (1 of 4 stars; one submission).

Conditions:
Tuberous sclerosis 1 (TSC1). Identifiers: Orphanet 805, MedGen C1854465, MONDO:0008612, OMIM 191100.

Submission:

Labcorp Genetics (formerly Invitae), Labcorp
Classification: Uncertain significance for Tuberous sclerosis 1. Last evaluated: 2018-01-15. Review status: criteria provided, single submitter. Criteria: Invitae Variant Classification Sherloc (09022015). Collection method: clinical testing. Allele origin: germline.
Comment: This sequence change replaces glycine with valine at codon 8 of the TSC1 protein (p.Gly8Val). The glycine residue is moderately conserved and there is a moderate physicochemical difference between glycine and valine. This variant is not present in population databases (ExAC no frequency). In summary, the available evidence is currently insufficient to determine the role of this variant in disease. Therefore, it has been classified as a Variant of Uncertain Significance. Algorithms developed to predict the effect of missense changes on protein structure and function do not agree on the potential impact of this missense change (SIFT: "Tolerated"; PolyPhen-2: "Possibly Damaging"; Align-GVGD: "Class C0"). This variant has not been reported in the literature in individuals with TSC1-related disease.

NM_000368.5(TSC1):c.23G>T (p.Gly8Val)

Gene: TSC1 (TSC complex subunit 1; minus strand). Cytogenetic location: 9q34.13.
Variant type: single nucleotide variant.
Coding change: c.23G>T on transcript NM_000368.5 (MANE Select); coding-DNA position 23, G replaced by T.
Protein change: p.Gly8Val; replaces glycine 8 with valine.
Molecular consequence: missense variant. On other transcripts: 5 prime UTR variant (1).
Genome position (GRCh38, 1-based): chr9:132,928,850, C>A on the plus strand (G>T on the coding strand, the complement: TSC1 is on the minus strand). VCF-style: chr9-132928850-C-A. GRCh37 (hg19) VCF-style: chr9-135804237-C-A.
Other names: c.23G>T, p.Gly8Val (NM_001162426.2, NM_001162427.2); c.-237G>T (NM_001362177.2); short protein forms G8V.
Identifiers: ClinVar variation 579899 (VCV000579899.8), dbSNP rs1269896419, ClinGen allele CA375375426.